The following is an entry in ClinVar:

ClinVar aggregate classification (germline): Likely benign. Review status: criteria provided, multiple submitters, no conflicts (2 of 4 stars). 7 submissions from 7 submitters: Likely benign (5). 2 of the submissions do not count toward it. Last evaluated 2025-09-01.

Conditions:
Premature ovarian insufficiency (POF). Also called: Premature ovarian failure. Identifiers: MedGen C4303540, HP:0008209.
MCM9-related disorder. Also called: MCM9-related condition.
Premature menopause. Identifiers: MedGen C0025322, MONDO:0001119.

Allele frequency attached by ClinVar (database versions not stated): gnomAD 0.00344 and 0.00341; 1000 Genomes Project 30x 0.00297; 1000 Genomes Project 0.00260; ExAC 0.00333; gnomAD exomes 0.00357 and 0.00444; ESP Exome Variant Server 0.00331; TOPMed 0.00345.
gnomAD v4.1: 7,012 of 1,612,444 alleles (0.43%); highest among the groups gnomAD compares: Middle Eastern, 1.2%; 24 homozygotes.

Submissions (7):

CeGaT Center for Human Genetics Tuebingen
Classification: Likely benign. Last evaluated: 2025-09-01. Review status: criteria provided, single submitter. Criteria: CeGaT Center For Human Genetics Tuebingen Variant Classification Criteria Version 2. Collection method: clinical testing. Allele origin: germline. Affected: yes. Observed: 2 variant alleles.
Comment: MCM9: BS2

Genomic Medicine Center of Excellence, King Faisal Specialist Hospital and Research Centre
Classification: Likely benign. Last evaluated: 2025-08-18. Review status: criteria provided, single submitter. Criteria: ACMG Guidelines, 2015. Collection method: clinical testing. Allele origin: germline.

Labcorp Genetics (formerly Invitae), Labcorp
Classification: Likely benign. Last evaluated: 2019-12-31. Review status: criteria provided, single submitter. Criteria: Invitae Variant Classification Sherloc (09022015). Collection method: clinical testing. Allele origin: germline.

Lupski Lab, Baylor-Hopkins CMG, Baylor College of Medicine
Classification: Likely benign for Primary Ovarian Insufficiency. Last evaluated: 2019-04-22. Review status: criteria provided, single submitter. Criteria: Jolly et al. (J Clin Endocrinol Metab. 2019). Collection method: research. Allele origin: inherited, unknown. Inheritance: Autosomal recessive inheritance. Affected: yes and no. Observed: 2 variant alleles, 1 heterozygote, 1 homozygote.

Breakthrough Genomics
Classification: Likely benign. Review status: criteria provided, single submitter. Criteria: ACMG Guidelines, 2015. Collection method: not provided. Allele origin: germline. Inheritance: Autosomal recessive inheritance. Affected: yes.

PreventionGenetics, part of Exact Sciences
Classification: Likely benign for MCM9-related condition. Last evaluated: 2022-07-13. Review status: no assertion criteria provided. Collection method: clinical testing. Allele origin: germline. Not counted in ClinVar's aggregate classification.
Comment: This variant is classified as likely benign based on ACMG/AMP sequence variant interpretation guidelines (Richards et al. 2015 PMID: 25741868, with internal and published modifications).

Reproductive Development, Murdoch Childrens Research Institute
Classification: Uncertain significance for Premature ovarian insufficiency. Last evaluated: 2018-01-10. Review status: no assertion criteria provided. Criteria: ACMG Guidelines, 2015. Collection method: research. Allele origin: maternal. Affected: yes. Not counted in ClinVar's aggregate classification.

NM_017696.3(MCM9):c.911A>G (p.Asn304Ser)

Gene: MCM9 (minichromosome maintenance 9 homologous recombination repair factor; minus strand). Cytogenetic location: 6q22.31.
Variant type: single nucleotide variant.
Coding change: c.911A>G on transcript NM_017696.3 (MANE Select); coding-DNA position 911, A replaced by G.
Protein change: p.Asn304Ser; replaces asparagine 304 with serine.
Molecular consequence: missense variant. On other transcripts: non-coding transcript variant (2), intron variant (3).
Genome position (GRCh38, 1-based): chr6:118,913,414, T>C on the plus strand (A>G on the coding strand, the complement: MCM9 is on the minus strand). VCF-style: chr6-118913414-T-C. GRCh37 (hg19) VCF-style: chr6-119234579-T-C.
Other names: c.911A>G, p.Asn304Ser (NM_001378356.1, NM_001378357.1, NM_001378358.1 and 5 more transcripts); c.713A>G, p.Asn238Ser (NM_001378361.1, NM_001378362.1, NM_001378363.1 and 1 more transcripts); c.905-1645A>G (NM_001378366.1, NM_001378368.1); c.707-1645A>G (NM_001378370.1); short protein forms N304S, N238S.
Identifiers: ClinVar variation 619064 (VCV000619064.34), dbSNP rs78231991, ClinGen allele CA3978566.